The following is an entry in ClinVar:

ClinVar aggregate classification (germline): Uncertain significance (1 of 4 stars; one submission).

Conditions:
Spinocerebellar ataxia, autosomal recessive 32 (SCAR32). Identifiers: MedGen C5676978, MONDO:0859245, OMIM 619862.

Submission:

3billion
Classification: Uncertain significance for Spinocerebellar ataxia, autosomal recessive 32. Last evaluated: 2022-09-01. Review status: criteria provided, single submitter. Criteria: ACMG Guidelines, 2015. Collection method: clinical testing. Allele origin: germline. Affected: yes. Observed: 1 heterozygote.
Comment: The missense variant is not observed in the gnomAD v2.1.1 dataset. The variant is in trans with the other variant (NM_006793.5:c.508C>T). In silico tools predict the variant to alter splicing and produce an abnormal transcript (SpliceAI: 0.63). Therefore, this variant is classified as uncertain significance according to the recommendation of ACMG/AMP guideline.

NM_006793.5(PRDX3):c.451G>A (p.Gly151Ser)

Gene: PRDX3 (peroxiredoxin 3; minus strand). Cytogenetic location: 10q26.11.
Variant type: single nucleotide variant.
Coding change: c.451G>A on transcript NM_006793.5 (MANE Select); coding-DNA position 451, G replaced by A.
Protein change: p.Gly151Ser; replaces glycine 151 with serine.
Molecular consequence: missense variant. On other transcripts: non-coding transcript variant (3).
Genome position (GRCh38, 1-based): chr10:119,172,482, C>T on the plus strand (G>A on the coding strand, the complement: PRDX3 is on the minus strand). VCF-style: chr10-119172482-C-T. GRCh37 (hg19) VCF-style: chr10-120931994-C-T.
Other names: c.451G>A, p.Gly151Ser (NM_001302272.2); short protein forms G151S.
Identifiers: ClinVar variation 1705298 (VCV001705298.1), dbSNP rs2493974026, ClinGen allele CA378286288.